The following is an entry in ClinVar:

ClinVar aggregate classification (germline): Pathogenic (1 of 4 stars; one submission).

Conditions:
Multiple congenital anomalies-hypotonia-seizures syndrome 1 (MCAHS1). Also called: PIGN-CDG; Congenital disorder of glycosylation due to PIGN deficiency; GLYCOSYLPHOSPHATIDYLINOSITOL BIOSYNTHESIS DEFECT 3. Identifiers: Orphanet 280633, MedGen C3279775, MONDO:0013563, OMIM 614080.

Submission:

Labcorp Genetics (formerly Invitae), Labcorp
Classification: Pathogenic for Multiple congenital anomalies-hypotonia-seizures syndrome 1. Last evaluated: 2020-08-20. Review status: criteria provided, single submitter. Criteria: Invitae Variant Classification Sherloc (09022015). Collection method: clinical testing. Allele origin: germline.
Comment: This sequence change creates a premature translational stop signal (p.Asn808Lysfs*4) in the PIGN gene. It is expected to result in an absent or disrupted protein product. For these reasons, this variant has been classified as Pathogenic. Loss-of-function variants in PIGN are known to be pathogenic (PMID: 24253414, 27038415). This variant has not been reported in the literature in individuals with PIGN-related conditions. This variant is not present in population databases (ExAC no frequency).

Literature cited by the submitters: PubMed 24253414; PubMed 27038415.

NM_176787.5(PIGN):c.2423dup (p.Asn808fs)

Gene: PIGN (phosphatidylinositol glycan anchor biosynthesis class N; minus strand). Cytogenetic location: 18q21.33.
Variant type: Duplication.
Coding change: c.2423dup on transcript NM_176787.5 (MANE Select); coding-DNA position 2423, one base duplicated (A; older notation c.2423dupA).
Protein change: p.Asn808fs; shifts the reading frame from asparagine 808.
Molecular consequence: frameshift variant.
Genome position (GRCh38, 1-based): chr18:62,085,212, T duplicated on the plus strand (A on the coding strand, the reverse complement: PIGN is on the minus strand); the first of 2 consecutive T bases (chr18:62,085,212-62,085,213); duplicating either gives the same sequence. VCF-style (leftmost placement, unchanged base first): chr18-62085211-G-GT. GRCh37 (hg19) VCF-style: chr18-59752444-G-GT.
Other names: c.2423dup, p.Asn808fs (NM_012327.6); short protein forms N808fs.
Identifiers: ClinVar variation 1071330 (VCV001071330.7), dbSNP rs2145961535, ClinGen allele CA2499225246.